The following is an entry in ClinVar:

ClinVar aggregate classification (germline): Uncertain significance. Review status: criteria provided, multiple submitters, no conflicts (2 of 4 stars). 2 submissions from 2 submitters: Uncertain significance (2). Last evaluated 2020-01-30.

Conditions:
Beckwith-Wiedemann syndrome (BWS). Also called: EMG SYNDROME; Exomphalos macroglossia gigantism syndrome. Identifiers: Orphanet 116, MedGen C0004903, MONDO:0007534, OMIM 130650.

Allele frequency attached by ClinVar (database versions not stated): gnomAD exomes below 0.00001.
gnomAD v4.1: 1 of 1,441,708 alleles (0.000069%); highest among the groups gnomAD compares: Non-Finnish European, 0.000091%; no homozygotes.

Submissions (2):

Blueprint Genetics
Classification: Uncertain significance. Last evaluated: 2020-01-30. Review status: criteria provided, single submitter. Criteria: ACMG Guidelines, 2015. Collection method: clinical testing. Allele origin: germline.

Labcorp Genetics (formerly Invitae), Labcorp
Classification: Uncertain significance for Beckwith-Wiedemann syndrome. Last evaluated: 2019-02-25. Review status: criteria provided, single submitter. Criteria: Invitae Variant Classification Sherloc (09022015). Collection method: clinical testing. Allele origin: germline.
Comment: This variant is not present in population databases (ExAC no frequency). In summary, the available evidence is currently insufficient to determine the role of this variant in disease. Therefore, it has been classified as a Variant of Uncertain Significance. This variant has not been reported in the literature in individuals with CDKN1C-related conditions. This sequence change replaces asparagine with threonine at codon 229 of the CDKN1C protein (p.Asn229Thr). The asparagine residue is weakly conserved and there is a small physicochemical difference between asparagine and threonine.

NM_001122630.2(CDKN1C):c.653A>C (p.Asn218Thr)

Gene: CDKN1C (cyclin dependent kinase inhibitor 1C; minus strand). Cytogenetic location: 11p15.4.
Variant type: single nucleotide variant.
Coding change: c.653A>C on transcript NM_001122630.2 (MANE Select); coding-DNA position 653, A replaced by C.
Protein change: p.Asn218Thr; replaces asparagine 218 with threonine.
Molecular consequence: missense variant. On other transcripts: intron variant (1).
Genome position (GRCh38, 1-based): chr11:2,884,804, T>G on the plus strand (A>C on the coding strand, the complement: CDKN1C is on the minus strand). VCF-style: chr11-2884804-T-G. GRCh37 (hg19) VCF-style: chr11-2906034-T-G.
Other names: c.686A>C, p.Asn229Thr (NM_000076.2, NM_001362474.2); c.653A>C, p.Asn218Thr (NM_001122631.2); c.255+398A>C (NM_001362475.2); short protein forms N218T, N229T.
Identifiers: ClinVar variation 848108 (VCV000848108.10), dbSNP rs1848926162, ClinGen allele CA379145877.